The following is an entry in ClinVar:

NM_182943.3(PLOD2):c.503-73C>T

Gene: PLOD2 (procollagen-lysine,2-oxoglutarate 5-dioxygenase 2; minus strand). Cytogenetic location: 3q24.
Variant type: single nucleotide variant.
Coding change: c.503-73C>T on transcript NM_182943.3 (MANE Select); 73 bases into the intron before coding-DNA position 503, C replaced by T.
Molecular consequence: intron variant.
Genome position (GRCh38, 1-based): chr3:146,106,717, G>A on the plus strand (C>T on the coding strand, the complement: PLOD2 is on the minus strand). VCF-style: chr3-146106717-G-A. GRCh37 (hg19) VCF-style: chr3-145824504-G-A.
Other names: c.503-73C>T (NM_000935.3).
Identifiers: ClinVar variation 674923 (VCV000674923.2), dbSNP rs7614409, ClinGen allele CA11512915.

ClinVar aggregate classification (germline): Benign. Review status: criteria provided, multiple submitters, no conflicts (2 of 4 stars). 2 submissions from 2 submitters: Benign (2). Last evaluated 2018-06-14.

Allele frequency attached by ClinVar (database versions not stated): gnomAD exomes 0.48125; gnomAD 0.49387 and 0.49478; TOPMed 0.49422; 1000 Genomes Project 0.49621; 1000 Genomes Project 30x 0.49953.
gnomAD v4.1: 386,969 of 797,800 alleles (49%); highest among the groups gnomAD compares: Middle Eastern, 53%; 95,038 homozygotes.

Submissions (2):

GeneDx
Classification: Benign. Last evaluated: 2018-06-14. Review status: criteria provided, single submitter. Criteria: GeneDx Variant Classification (06012015). Collection method: clinical testing. Allele origin: germline. Affected: yes.
Comment: This variant is considered likely benign or benign based on one or more of the following criteria: it is a conservative change, it occurs at a poorly conserved position in the protein, it is predicted to be benign by multiple in silico algorithms, and/or has population frequency not consistent with disease.

Breakthrough Genomics
Classification: Benign. Review status: criteria provided, single submitter. Criteria: ACMG Guidelines, 2015. Collection method: not provided. Allele origin: germline. Inheritance: Autosomal recessive inheritance. Affected: yes.